The following is an entry in ClinVar:

NM_000183.3(HADHB):c.266A>G (p.His89Arg)

Gene: HADHB (hydroxyacyl-CoA dehydrogenase trifunctional multienzyme complex subunit beta; plus strand). Cytogenetic location: 2p23.3.
Variant type: single nucleotide variant.
Coding change: c.266A>G on transcript NM_000183.3 (MANE Select); coding-DNA position 266, A replaced by G.
Protein change: p.His89Arg; replaces histidine 89 with arginine.
Molecular consequence: missense variant.
Genome position (GRCh38, 1-based): chr2:26,273,662, A>G. VCF-style: chr2-26273662-A-G. GRCh37 (hg19) VCF-style: chr2-26496530-A-G.
Other names: c.221A>G, p.His74Arg (NM_001281512.2); c.200A>G, p.His67Arg (NM_001281513.2); short protein forms H89R, H67R, H74R.
Identifiers: ClinVar variation 536657 (VCV000536657.7), dbSNP rs373356931, ClinGen allele CA1560162.

ClinVar aggregate classification (germline): Uncertain significance. Review status: criteria provided, multiple submitters, no conflicts (2 of 4 stars). 2 submissions from 2 submitters: Uncertain significance (2). Last evaluated 2025-08-31.

Conditions:
Inborn genetic diseases. Identifiers: MedGen C0950123, MeSH D030342.
Mitochondrial trifunctional protein deficiency. Identifiers: Orphanet 746, MedGen C1969443, MONDO:0012172.

Allele frequency attached by ClinVar (database versions not stated): gnomAD exomes 0.00002 and 0.00006; TOPMed 0.00003; gnomAD 0.00004; ExAC 0.00005; ESP Exome Variant Server 0.00008.
gnomAD v4.1: 29 of 1,591,592 alleles (0.0018%); highest among the groups gnomAD compares: South Asian, 0.021%; no homozygotes.

Submissions (2):

Ambry Genetics
Classification: Uncertain significance for Inborn genetic diseases. Last evaluated: 2025-08-31. Review status: criteria provided, single submitter. Criteria: Ambry Variant Classification Scheme 2023. Collection method: clinical testing. Allele origin: germline.

Labcorp Genetics (formerly Invitae), Labcorp
Classification: Uncertain significance for Mitochondrial trifunctional protein deficiency. Last evaluated: 2024-01-08. Review status: criteria provided, single submitter. Criteria: Invitae Variant Classification Sherloc (09022015). Collection method: clinical testing. Allele origin: germline.
Comment: This sequence change replaces histidine, which is basic and polar, with arginine, which is basic and polar, at codon 89 of the HADHB protein (p.His89Arg). This variant is present in population databases (rs373356931, gnomAD 0.04%). This variant has not been reported in the literature in individuals affected with HADHB-related conditions. ClinVar contains an entry for this variant (Variation ID: 536657). Advanced modeling of protein sequence and biophysical properties (such as structural, functional, and spatial information, amino acid conservation, physicochemical variation, residue mobility, and thermodynamic stability) performed at Invitae indicates that this missense variant is not expected to disrupt HADHB protein function with a negative predictive value of 80%. In summary, the available evidence is currently insufficient to determine the role of this variant in disease. Therefore, it has been classified as a Variant of Uncertain Significance.